The following is an entry in ClinVar:

NM_001031710.3(KLHL7):c.1478G>A (p.Gly493Asp)

Gene: KLHL7 (kelch like family member 7; plus strand). Cytogenetic location: 7p15.3.
Variant type: single nucleotide variant.
Coding change: c.1478G>A on transcript NM_001031710.3 (MANE Select); coding-DNA position 1478, G replaced by A.
Protein change: p.Gly493Asp; replaces glycine 493 with aspartic acid.
Molecular consequence: missense variant. On other transcripts: non-coding transcript variant (1).
Genome position (GRCh38, 1-based): chr7:23,174,015, G>A. VCF-style: chr7-23174015-G-A. GRCh37 (hg19) VCF-style: chr7-23213634-G-A.
Other names: c.1334G>A, p.Gly445Asp (NM_018846.5); short protein forms G445D, G493D.
Identifiers: ClinVar variation 4873592 (VCV004873592.2).

ClinVar aggregate classification (germline): Uncertain significance (1 of 4 stars; one submission).

Submission:

CeGaT Center for Human Genetics Tuebingen
Classification: Uncertain significance. Last evaluated: 2026-05-01. Review status: criteria provided, single submitter. Criteria: CeGaT Center For Human Genetics Tuebingen Variant Classification Criteria Version 2. Collection method: clinical testing. Allele origin: germline. Affected: yes. Observed: 1 variant allele.
Comment: KLHL7: PM2, PP2, PP3